The following is an entry in ClinVar:

ClinVar aggregate classification (germline): Uncertain significance. Review status: criteria provided, multiple submitters, no conflicts (2 of 4 stars). 2 submissions from 2 submitters: Uncertain significance (2). Last evaluated 2024-09-23.

Conditions:
Dilated cardiomyopathy 1G (CMD1G). Identifiers: Orphanet 154, MedGen C1858763, MONDO:0011400, OMIM 604145.
Autosomal recessive limb-girdle muscular dystrophy type 2J (LGMDR10). Also called: Limb-girdle muscular dystrophy, type 2J; MUSCULAR DYSTROPHY, LIMB-GIRDLE, AUTOSOMAL RECESSIVE 10. Identifiers: Orphanet 140922, MedGen C1837342, MONDO:0012127, OMIM 608807.

Allele frequency attached by ClinVar (database versions not stated): ExAC 0.00001; gnomAD 0.00001; 1000 Genomes Project 30x 0.00016; 1000 Genomes Project 0.00020; gnomAD exomes below 0.00001; TOPMed 0.00001.
gnomAD v4.1: 1 of 1,613,936 alleles (0.000062%); highest among the groups gnomAD compares: East Asian, 0.0022%; no homozygotes.

Submissions (2):

GeneDx
Classification: Uncertain significance. Last evaluated: 2024-09-23. Review status: criteria provided, single submitter. Criteria: GeneDx Variant Classification Process June 2021. Collection method: clinical testing. Allele origin: germline.
Comment: Not observed at significant frequency in large population cohorts (gnomAD); Missense variant in a gene in which most reported pathogenic variants are truncating/loss of function; Has not been previously published as pathogenic or benign to our knowledge; This variant is associated with the following publications: (PMID: 17444505)

Labcorp Genetics (formerly Invitae), Labcorp
Classification: Uncertain significance for Dilated cardiomyopathy 1G; Autosomal recessive limb-girdle muscular dystrophy type 2J. Last evaluated: 2023-07-19. Review status: criteria provided, single submitter. Criteria: Invitae Variant Classification Sherloc (09022015). Collection method: clinical testing. Allele origin: germline.
Comment: This sequence change replaces histidine, which is basic and polar, with tyrosine, which is neutral and polar, at codon 34144 of the TTN protein (p.His34144Tyr). This variant is present in population databases (rs560027565, gnomAD 0.006%). This variant has not been reported in the literature in individuals affected with TTN-related conditions. ClinVar contains an entry for this variant (Variation ID: 1042161). Experimental studies and prediction algorithms are not available or were not evaluated, and the functional significance of this variant is currently unknown. This variant is located in the M band of TTN (PMID: 25589632). Variants in this region may be relevant for neuromuscular disorders, but have not been definitively shown to cause cardiomyopathy (PMID: 23975875). In summary, the available evidence is currently insufficient to determine the role of this variant in disease. Therefore, it has been classified as a Variant of Uncertain Significance.

Literature cited by the submitters: PubMed 25589632 (cited by Labcorp Genetics (formerly Invitae), Labcorp); PubMed 23975875 (cited by Labcorp Genetics (formerly Invitae), Labcorp).

NM_001267550.2(TTN):c.102430C>T (p.His34144Tyr)

Genes: TTN (titin; minus strand), TTN-AS1 (TTN antisense RNA 1; plus strand). Cytogenetic location: 2q31.2.
Variant type: single nucleotide variant.
Coding change: c.102430C>T on transcript NM_001267550.2 (MANE Select); coding-DNA position 102430, C replaced by T.
Protein change: p.His34144Tyr; replaces histidine 34144 with tyrosine.
Molecular consequence: missense variant.
Genome position (GRCh38, 1-based): chr2:178,534,185, G>A on the plus strand (C>T on the coding strand, the complement: TTN is on the minus strand). VCF-style: chr2-178534185-G-A. GRCh37 (hg19) VCF-style: chr2-179398912-G-A.
Other names: c.102430C>T (NM_001267550.1); c.97507C>T, p.His32503Tyr (NM_001256850.1); c.75235C>T, p.His25079Tyr (NM_003319.4); c.94726C>T, p.His31576Tyr (NM_133378.4); c.75610C>T, p.His25204Tyr (NM_133432.3); c.75811C>T, p.His25271Tyr (NM_133437.4); short protein forms H25204Y, H34144Y, H25271Y, H31576Y, H32503Y, H25079Y.
Identifiers: ClinVar variation 1042161 (VCV001042161.9), dbSNP rs560027565, ClinGen allele CA1985754.